The following is an entry in ClinVar:

NM_000222.3(KIT):c.575G>A (p.Gly192Asp)

Gene: KIT (KIT proto-oncogene, receptor tyrosine kinase; plus strand). Cytogenetic location: 4q12.
Variant type: single nucleotide variant.
Coding change: c.575G>A on transcript NM_000222.3 (MANE Select); coding-DNA position 575, G replaced by A.
Protein change: p.Gly192Asp; replaces glycine 192 with aspartic acid.
Molecular consequence: missense variant.
Genome position (GRCh38, 1-based): chr4:54,698,521, G>A. VCF-style: chr4-54698521-G-A. GRCh37 (hg19) VCF-style: chr4-55564687-G-A.
Other names: c.575G>A, p.Gly192Asp (NM_001093772.2, NM_001385284.1, NM_001385285.1 and 4 more transcripts); short protein forms G192D.
Identifiers: ClinVar variation 458957 (VCV000458957.13), dbSNP rs1268420042, ClinGen allele CA356898005.
Genomic context (GRCh38, chr4:54,698,521, plus strand): 5'-TCAAAAGTGTGAAACGCGCCTACCATCGGCTCTGTCTGCATTGTTCTGTGGACCAGGAGG[G>A]CAAGTCAGTGCTGTCGGAAAAATTCATCCTGAAAGTGAGGCCAGGTACTGGCTCTTTCTT-3'
Protein context (NP_000213.1, residues 182-202): LCLHCSVDQE[Gly192Asp]KSVLSEKFIL

ClinVar aggregate classification (germline): Uncertain significance. Review status: criteria provided, multiple submitters, no conflicts (2 of 4 stars). 3 submissions from 3 submitters: Uncertain significance (3). Last evaluated 2025-09-02.

Conditions:
Hereditary cancer-predisposing syndrome. Also called: Tumor predisposition; Hereditary neoplastic syndrome; Neoplastic Syndromes, Hereditary; Hereditary Cancer Syndrome. Identifiers: Orphanet 140162, MedGen C0027672, MeSH D009386, MONDO:0015356.
Gastrointestinal stromal tumor. Also called: Gastrointestinal stroma tumor; Gastrointestinal stromal tumor, somatic. Identifiers: Orphanet 44890, MedGen C0238198, MeSH D046152, MONDO:0011719, OMIM 606764, HP:0100723.

Allele frequency attached by ClinVar (database versions not stated): gnomAD exomes below 0.00001; TOPMed 0.00001.
gnomAD v4.1: 8 of 1,614,206 alleles (0.0005%); highest among the groups gnomAD compares: Non-Finnish European, 0.00059%; no homozygotes.

Submissions (3):

Labcorp Genetics (formerly Invitae), Labcorp
Classification: Uncertain significance for Gastrointestinal stromal tumor. Last evaluated: 2025-09-02. Review status: criteria provided, single submitter. Criteria: Invitae Variant Classification Sherloc (09022015). Collection method: clinical testing. Allele origin: germline.
Comment: This sequence change replaces glycine, which is neutral and non-polar, with aspartic acid, which is acidic and polar, at codon 192 of the KIT protein (p.Gly192Asp). This variant is present in population databases (no rsID available, gnomAD 0.0009%). This variant has not been reported in the literature in individuals affected with KIT-related conditions. ClinVar contains an entry for this variant (Variation ID: 458957). An algorithm developed to predict the effect of missense changes on protein structure and function (PolyPhen-2) suggests that this variant is likely to be disruptive. In summary, the available evidence is currently insufficient to determine the role of this variant in disease. Therefore, it has been classified as a Variant of Uncertain Significance.

Ambry Genetics
Classification: Uncertain significance for Hereditary cancer-predisposing syndrome. Last evaluated: 2025-01-05. Review status: criteria provided, single submitter. Criteria: Ambry Variant Classification Scheme 2023. Collection method: clinical testing. Allele origin: germline.
Comment: The p.G192D variant (also known as c.575G>A), located in coding exon 3 of the KIT gene, results from a G to A substitution at nucleotide position 575. The glycine at codon 192 is replaced by aspartic acid, an amino acid with similar properties. This amino acid position is conserved. In addition, the in silico prediction for this alteration is inconclusive. Since supporting evidence is limited at this time, the clinical significance of this alteration remains unclear.

GeneDx
Classification: Uncertain significance. Last evaluated: 2024-05-16. Review status: criteria provided, single submitter. Criteria: GeneDx Variant Classification Process June 2021. Collection method: clinical testing. Allele origin: germline. Affected: yes.
Comment: Not observed at significant frequency in large population cohorts (gnomAD); Has not been previously published as pathogenic or benign to our knowledge